The following is an entry in ClinVar:

ClinVar aggregate classification (germline): Pathogenic/Likely pathogenic. Review status: criteria provided, multiple submitters, no conflicts (2 of 4 stars). 2 submissions from 2 submitters: Pathogenic (1); Likely pathogenic (1). Last evaluated 2022-05-17.

Conditions:
Juvenile polyposis syndrome (JPS). Identifiers: Orphanet 2929, MedGen C0345893, MONDO:0017380, OMIM 174900.

Submissions (2):

Labcorp Genetics (formerly Invitae), Labcorp
Classification: Pathogenic for Juvenile polyposis syndrome. Last evaluated: 2022-05-17. Review status: criteria provided, single submitter. Criteria: Invitae Variant Classification Sherloc (09022015). Collection method: clinical testing. Allele origin: germline.
Comment: ClinVar contains an entry for this variant (Variation ID: 545791). For these reasons, this variant has been classified as Pathogenic. This variant has not been reported in the literature in individuals affected with BMPR1A-related conditions. This variant is not present in population databases (gnomAD no frequency). This sequence change creates a premature translational stop signal (p.Tyr14Leufs*15) in the BMPR1A gene. It is expected to result in an absent or disrupted protein product. Loss-of-function variants in BMPR1A are known to be pathogenic (PMID: 11536076, 12417513).

GeneDx
Classification: Likely pathogenic. Last evaluated: 2017-06-07. Review status: criteria provided, single submitter. Criteria: GeneDx Variant Classification (06012015). Collection method: clinical testing. Allele origin: germline. Affected: yes.
Comment: This duplication of one nucleotide in BMPR1A is denoted c.40dupT at the cDNA level and p.Tyr14LeufsX15 (Y14LfsX15) at the protein level. The normal sequence, with the base that is duplicated in brackets, is AGCC[dupT]ATTT. The duplication causes a frameshift which changes a Tyrosine to a Leucine at codon 14, and creates a premature stop codon at position 15 of the new reading frame. Although this variant has not, to our knowledge, been reported in the literature, it is predicted to cause loss of normal protein function through either protein truncation or nonsense-mediated mRNA decay. Based on the currently available information, we consider this duplication to be a likely pathogenic variant.

Literature cited by the submitters: PubMed 11536076 (cited by Labcorp Genetics (formerly Invitae), Labcorp); PubMed 12417513 (cited by Labcorp Genetics (formerly Invitae), Labcorp).

NM_004329.3(BMPR1A):c.40dup (p.Tyr14fs)

Gene: BMPR1A (bone morphogenetic protein receptor type 1A; plus strand). Cytogenetic location: 10q23.2.
Variant type: Duplication.
Coding change: c.40dup on transcript NM_004329.3 (MANE Select); coding-DNA position 40, one base duplicated (T; older notation c.40dupT).
Protein change: p.Tyr14fs; shifts the reading frame from tyrosine 14.
Molecular consequence: frameshift variant.
Genome position (GRCh38, 1-based): chr10:86,876,058, T duplicated. VCF-style (leftmost placement, unchanged base first): chr10-86876057-C-CT. GRCh37 (hg19) VCF-style: chr10-88635814-C-CT.
Other names: c.40dupT (NM_004329.2); short protein forms Y14fs.
Identifiers: ClinVar variation 545791 (VCV000545791.7), dbSNP rs1554886815, ClinGen allele CA658821677.